The following is an entry in ClinVar:

NM_006015.6(ARID1A):c.458C>T (p.Pro153Leu)

Gene: ARID1A (AT-rich interaction domain 1A; plus strand). Cytogenetic location: 1p36.11.
Variant type: single nucleotide variant.
Coding change: c.458C>T on transcript NM_006015.6 (MANE Select); coding-DNA position 458, C replaced by T.
Protein change: p.Pro153Leu; replaces proline 153 with leucine.
Molecular consequence: missense variant.
Genome position (GRCh38, 1-based): chr1:26,696,861, C>T. VCF-style: chr1-26696861-C-T. GRCh37 (hg19) VCF-style: chr1-27023352-C-T.
Other names: c.458C>T, p.Pro153Leu (NM_139135.4); short protein forms P153L.
Identifiers: ClinVar variation 975332 (VCV000975332.6), dbSNP rs769828930, ClinGen allele CA706591.

ClinVar aggregate classification (germline): Uncertain significance. Review status: criteria provided, single submitter (1 of 4 stars). 2 submissions from 2 submitters: Uncertain significance (1). 1 of the submissions does not count toward it. Last evaluated 2026-01-26.

Conditions:
Intellectual disability. Also called: intellectual disabilities; Intellectual developmental disorder; Intellectual functioning disability. Identifiers: MedGen C3714756, MeSH D008607, MONDO:0001071, HP:0001249.

Allele frequency attached by ClinVar (database versions not stated): gnomAD 0.00005 and 0.00004; TOPMed 0.00006; ExAC below 0.00001.
gnomAD v4.1: 13 of 1,354,774 alleles (0.00096%); highest among the groups gnomAD compares: Admixed American, 0.016%; no homozygotes.

Submissions (2):

Labcorp Genetics (formerly Invitae), Labcorp
Classification: Uncertain significance. Last evaluated: 2026-01-26. Review status: criteria provided, single submitter. Criteria: Invitae Variant Classification Sherloc (09022015). Collection method: clinical testing. Allele origin: germline.
Comment: This sequence change replaces proline, which is neutral and non-polar, with leucine, which is neutral and non-polar, at codon 153 of the ARID1A protein (p.Pro153Leu). This variant is not present in population databases (gnomAD no frequency). This variant has not been reported in the literature in individuals affected with ARID1A-related conditions. ClinVar contains an entry for this variant (Variation ID: 975332). Invitae Evidence Modeling of protein sequence and biophysical properties (such as structural, functional, and spatial information, amino acid conservation, physicochemical variation, residue mobility, and thermodynamic stability) indicates that this missense variant is not expected to disrupt ARID1A protein function with a negative predictive value of 95%. In summary, the available evidence is currently insufficient to determine the role of this variant in disease. Therefore, it has been classified as a Variant of Uncertain Significance.

Centre de Biologie Pathologie Génétique, Centre Hospitalier Universitaire de Lille
Classification: Likely benign for Intellectual disability. Last evaluated: 2019-01-01. Review status: no assertion criteria provided. Collection method: clinical testing. Allele origin: inherited. Affected: yes. Not counted in ClinVar's aggregate classification.